The following is an entry in ClinVar:

ClinVar aggregate classification (germline): Pathogenic (1 of 4 stars; one submission).

Conditions:
Hereditary breast ovarian cancer syndrome. Also called: Hereditary breast and ovarian cancer syndrome; Hereditary breast and/or ovarian cancer syndrome; Hereditary breast and ovarian cancer syndrome (HBOC); Hereditary breast and ovarian cancer; Breast and ovarian cancer; BRCA1- and BRCA2-Associated Hereditary Breast and Ovarian Cancer. Identifiers: Orphanet 145, MedGen C0677776, MeSH D061325, MONDO:0003582. Disease mechanism: loss of function.

Submission:

Women's Health and Genetics/Laboratory Corporation of America, LabCorp
Classification: Pathogenic for Hereditary breast and ovarian cancer syndrome. Last evaluated: 2020-07-21. Review status: criteria provided, single submitter. Criteria: LabCorp Variant Classification Summary - May 2015. Collection method: clinical testing. Allele origin: germline.
Comment: Variant summary: The variant identified by MLPA or other technology involves the deletion of exons 12-14 (legacy name exons 13-15) in the BRCA1 gene. A presumed nomenclature of c.(4185+1_4186-1)_(4675+1_4676-1)del has been designated for the purposes of this classification. Although exact breakpoints of this deletion are not known, it is expected to result in a frameshift change in the BRCA1 gene, a known mechanism of disease. At least one publication reports experimental evidence that this variant affects mRNA splicing (Gad_2001, Cho_2014). The variant was absent in 21692 control chromosomes (gnomAD, Structural Variants dataset). The variant c. (4185+1_4186-1)_(4675+1_4676-1)del has been reported in the literature in individuals affected with breast and ovarian cancer (Engert_2008, Gad_2001, Lim_2007, Seong_2014, Cho_2014). These data indicate that the variant is likely to be associated with disease. Three ClinVar submitters (evaluation after 2014) cite the variant as pathogenic. Based on the evidence outlined above, the variant was classified as pathogenic.

Literature cited by the submitters: PubMed 18431737; PubMed 18330910; PubMed 17470134; PubMed 24566764; PubMed 11424920; PubMed 25176351; PubMed 16843109.

NC_000017.11:g.(43071239_43074330)_(43082576_43090943)del

Gene: BRCA1 (BRCA1 DNA repair associated; minus strand). Cytogenetic location: 17q21.31.
Variant type: Deletion.
Identifiers: ClinVar variation 981970 (VCV000981970.1).